The following is an entry in ClinVar:

ClinVar aggregate classification (germline): Benign/Likely benign. Review status: criteria provided, multiple submitters, no conflicts (2 of 4 stars). 13 submissions from 10 submitters: Benign (2); Likely benign (10). 1 of the submissions does not count toward it. Last evaluated 2026-02-01.

Conditions:
Congenital myopathy 18. Also called: DIHYDROPYRIDINE RECEPTOR CONGENITAL MYOPATHY; DHPR CONGENITAL MYOPATHY; Myopathy, congenital, due to dihydropyridine receptor defect. Identifiers: MedGen C5830283, MONDO:0859514, OMIM 620246.
Thyrotoxic periodic paralysis, susceptibility to, 1 (TTPP1). Identifiers: Orphanet 79102, MedGen C2749982, MONDO:0008570, OMIM 188580.
Hypokalemic periodic paralysis, type 1. Also called: Hypokalemic Periodic Paralysis Type 1 (AD); HypoPP. Identifiers: Orphanet 681, MedGen C3714580, MONDO:0042979, OMIM 170400.
CACNA1S-related disorder. Also called: CACNA1S-related condition.
Malignant hyperthermia, susceptibility to, 5 (MHS5). Also called: CACNA1S-Related Malignant Hyperthermia Susceptibility. Identifiers: Orphanet 423, MedGen C1866077, MONDO:0011163, OMIM 601887.
Malignant hyperthermia of anesthesia. Also called: Anesthesic-triggered malignant hyperthermia. Identifiers: Orphanet 423, MedGen C0024591, MONDO:0018493, HP:0034733.

Allele frequency attached by ClinVar (database versions not stated): ESP Exome Variant Server 0.00062; TOPMed 0.00075; 1000 Genomes Project 0.00100; 1000 Genomes Project 30x 0.00109.
gnomAD v4.1: 2,195 of 1,614,134 alleles (0.14%); highest among the groups gnomAD compares: Non-Finnish European, 0.11%; 8 homozygotes.

Submissions (13):

Labcorp Genetics (formerly Invitae), Labcorp
Classification: Benign for Hypokalemic periodic paralysis, type 1; Malignant hyperthermia, susceptibility to, 5. Last evaluated: 2026-02-01. Review status: criteria provided, single submitter. Criteria: Invitae Variant Classification Sherloc (09022015). Collection method: clinical testing. Allele origin: germline.

Mayo Clinic Laboratories, Mayo Clinic
Classification: Likely benign. Last evaluated: 2025-03-31. Review status: criteria provided, single submitter. Criteria: ACMG Guidelines, 2015. Collection method: clinical testing. Allele origin: germline. Observed: 3 variant alleles.
Comment: BS1, BS2, BP4

Blueprint Genetics
Classification: Likely benign. Last evaluated: 2024-11-07. Review status: criteria provided, single submitter. Criteria: ACMG Guidelines, 2015. Collection method: clinical testing. Allele origin: germline.

All of Us Research Program, National Institutes of Health
Classification: Likely benign for Malignant hyperthermia, susceptibility to, 5. Last evaluated: 2024-09-23. Review status: criteria provided, single submitter. Criteria: ACMG Guidelines, 2015. Collection method: clinical testing. Allele origin: germline. Inheritance: Autosomal dominant inheritance. Observed: 287 variant alleles, 287 heterozygotes.
Comment: This study involves interpretation of variants in research participants for the purpose of population health screening. Participant phenotype was not available at the time of variant classification. Additional details can be found in publication PMID: 35346344, PMCID: PMC8962531

Genome-Nilou Lab
Classification: Likely benign for Malignant hyperthermia, susceptibility to, 5. Last evaluated: 2023-04-11. Review status: criteria provided, single submitter. Criteria: ACMG Guidelines, 2015. Collection method: clinical testing. Allele origin: germline. Affected: no.

Genome-Nilou Lab
Classification: Likely benign for Thyrotoxic periodic paralysis, susceptibility to, 1. Last evaluated: 2023-04-11. Review status: criteria provided, single submitter. Criteria: ACMG Guidelines, 2015. Collection method: clinical testing. Allele origin: germline. Affected: no.

Genome-Nilou Lab
Classification: Likely benign for Congenital myopathy 18. Last evaluated: 2023-04-11. Review status: criteria provided, single submitter. Criteria: ACMG Guidelines, 2015. Collection method: clinical testing. Allele origin: germline. Affected: no.

Genome-Nilou Lab
Classification: Likely benign for Hypokalemic periodic paralysis, type 1. Last evaluated: 2023-04-11. Review status: criteria provided, single submitter. Criteria: ACMG Guidelines, 2015. Collection method: clinical testing. Allele origin: germline. Affected: no.

Color Diagnostics, LLC DBA Color Health
Classification: Likely benign for Malignant hyperthermia, susceptibility to, 5. Last evaluated: 2022-09-20. Review status: criteria provided, single submitter. Criteria: ACMG Guidelines, 2015. Collection method: clinical testing. Allele origin: germline.

GeneDx
Classification: Likely benign. Last evaluated: 2020-10-21. Review status: criteria provided, single submitter. Criteria: GeneDx Variant Classification Process June 2021. Collection method: clinical testing. Allele origin: germline. Affected: yes.
Comment: This variant is associated with the following publications: (PMID: 26994242, 28326467, 28259615)

Illumina Laboratory Services, Illumina
Classification: Benign for Hypokalemic periodic paralysis, type 1. Last evaluated: 2018-01-13. Review status: criteria provided, single submitter. Criteria: ICSL Variant Classification Criteria 13 December 2019. Collection method: clinical testing. Allele origin: germline.
Comment: This variant was observed in the ICSL laboratory as part of a predisposition screen in an ostensibly healthy population. It had not been previously curated by ICSL or reported in the Human Gene Mutation Database (HGMD: prior to June 1st, 2018), and was therefore a candidate for classification through an automated scoring system. Utilizing variant allele frequency, disease prevalence and penetrance estimates, and inheritance mode, an automated score was calculated to assess if this variant is too frequent to cause the disease. Based on the score and internal cut-off values, a variant classified as benign is not then subjected to further curation. The score for this variant resulted in a classification of benign for this disease.

CSER _CC_NCGL, University of Washington
Classification: Likely benign for Malignant hyperthermia susceptibility. Last evaluated: 2015-12-01. Review status: criteria provided, single submitter. Criteria: Amendola et al. (Genome Res. 2015). Collection method: research. Allele origin: germline. Inheritance: Autosomal dominant inheritance. Study: CSER - NEXT Medicine variant annotation.
Comment: No known history of Malignant Hyperthermia. .GERP=2.650.ExAC Alt Allele Frequencies=AFR:0.0192%,NFE:0.186%,EAS:0.0%,SAS:0.0%,FIN:1.24%,AMR:0.095%,OTH:0.11%.

PreventionGenetics, part of Exact Sciences
Classification: Benign for CACNA1S-related condition. Last evaluated: 2023-06-14. Review status: no assertion criteria provided. Collection method: clinical testing. Allele origin: germline. Not counted in ClinVar's aggregate classification.
Comment: This variant is classified as benign based on ACMG/AMP sequence variant interpretation guidelines (Richards et al. 2015 PMID: 25741868, with internal and published modifications).

Literature cited by the submitters: PubMed 26994242 (cited by Mayo Clinic Laboratories, Mayo Clinic); PubMed 28259615 (cited by Mayo Clinic Laboratories, Mayo Clinic); PubMed 28326467 (cited by Mayo Clinic Laboratories, Mayo Clinic); PubMed 37234784 (cited by Mayo Clinic Laboratories, Mayo Clinic); PubMed 37937776 (cited by Mayo Clinic Laboratories, Mayo Clinic).

NM_000069.3(CACNA1S):c.1547C>T (p.Ser516Leu)

Gene: CACNA1S (calcium voltage-gated channel subunit alpha1 S; minus strand). Cytogenetic location: 1q32.1.
Variant type: single nucleotide variant.
Coding change: c.1547C>T on transcript NM_000069.3 (MANE Select); coding-DNA position 1547, C replaced by T.
Protein change: p.Ser516Leu; replaces serine 516 with leucine.
Molecular consequence: missense variant.
Genome position (GRCh38, 1-based): chr1:201,077,951, G>A on the plus strand (C>T on the coding strand, the complement: CACNA1S is on the minus strand). VCF-style: chr1-201077951-G-A. GRCh37 (hg19) VCF-style: chr1-201047079-G-A.
Other names: p.Ser516Leu; short protein forms S516L.
Identifiers: ClinVar variation 225281 (VCV000225281.39), dbSNP rs140662085, ClinGen allele CA078389.